The following is an entry in ClinVar:

ClinVar aggregate classification (germline): Likely benign (1 of 4 stars; one submission).

Submission:

CeGaT Center for Human Genetics Tuebingen
Classification: Likely benign. Last evaluated: 2022-09-01. Review status: criteria provided, single submitter. Criteria: CeGaT Center For Human Genetics Tuebingen Variant Classification Criteria Version 2. Collection method: clinical testing. Allele origin: germline. Affected: yes. Observed: 1 variant allele.
Comment: FAM230A: BP4, BP7

NC_000022.11:g.20354821C>T

Variant type: single nucleotide variant.
Genome position: GRCh38 VCF-style: chr22-20354821-C-T. GRCh37 (hg19) VCF-style: chr22-20709111-C-T.
Identifiers: ClinVar variation 2652889 (VCV002652889.24), dbSNP rs1231125420, ClinGen allele CA513389430.
Genomic context (GRCh38, chr22:20,354,821, plus strand): 5'-CGCCCAGGACATCGCAAACGAGGACGCCGCCCAGGGCATCGCTAACGAGGACGCCGCCCA[C>T]GGCATCGCAAACGAGGACGCAGCCCAGGACATCGCAAACGAGGACGCCGCCCAGGACATC-3'